The following is an entry in ClinVar:

ClinVar aggregate classification (germline): Uncertain significance (1 of 4 stars; one submission).

Allele frequency attached by ClinVar (database versions not stated): gnomAD exomes below 0.00001.
gnomAD v4.1: 3 of 1,613,798 alleles (0.00019%); highest among the groups gnomAD compares: Non-Finnish European, 0.00017%; no homozygotes.

Submission:

Labcorp Genetics (formerly Invitae), Labcorp
Classification: Uncertain significance. Last evaluated: 2023-12-11. Review status: criteria provided, single submitter. Criteria: Invitae Variant Classification Sherloc (09022015). Collection method: clinical testing. Allele origin: germline.
Comment: This sequence change replaces alanine, which is neutral and non-polar, with valine, which is neutral and non-polar, at codon 694 of the ADAM9 protein (p.Ala694Val). This variant is present in population databases (no rsID available, gnomAD 0.0009%). This variant has not been reported in the literature in individuals affected with ADAM9-related conditions. ClinVar contains an entry for this variant (Variation ID: 2093391). Advanced modeling of protein sequence and biophysical properties (such as structural, functional, and spatial information, amino acid conservation, physicochemical variation, residue mobility, and thermodynamic stability) performed at Invitae indicates that this missense variant is not expected to disrupt ADAM9 protein function with a negative predictive value of 80%. Algorithms developed to predict the effect of sequence changes on RNA splicing suggest that this variant may disrupt the consensus splice site. In summary, the available evidence is currently insufficient to determine the role of this variant in disease. Therefore, it has been classified as a Variant of Uncertain Significance.

NM_003816.3(ADAM9):c.2081C>T (p.Ala694Val)

Gene: ADAM9 (ADAM metallopeptidase domain 9; plus strand). Cytogenetic location: 8p11.22.
Variant type: single nucleotide variant.
Coding change: c.2081C>T on transcript NM_003816.3 (MANE Select); coding-DNA position 2081, C replaced by T.
Protein change: p.Ala694Val; replaces alanine 694 with valine.
Molecular consequence: missense variant. On other transcripts: non-coding transcript variant (2).
Genome position (GRCh38, 1-based): chr8:39,090,059, C>T. VCF-style: chr8-39090059-C-T. GRCh37 (hg19) VCF-style: chr8-38947578-C-T.
Other names: short protein forms A694V.
Identifiers: ClinVar variation 2093391 (VCV002093391.4), dbSNP rs1427914851, ClinGen allele CA370749272.